The following is an entry in ClinVar:

ClinVar aggregate classification (germline): Uncertain significance (1 of 4 stars; one submission).

Conditions:
Dilated cardiomyopathy 1G (CMD1G). Identifiers: Orphanet 154, MedGen C1858763, MONDO:0011400, OMIM 604145.
Autosomal recessive limb-girdle muscular dystrophy type 2J (LGMDR10). Also called: Limb-girdle muscular dystrophy, type 2J; MUSCULAR DYSTROPHY, LIMB-GIRDLE, AUTOSOMAL RECESSIVE 10. Identifiers: Orphanet 140922, MedGen C1837342, MONDO:0012127, OMIM 608807.

Submission:

Labcorp Genetics (formerly Invitae), Labcorp
Classification: Uncertain significance for Dilated cardiomyopathy 1G; Autosomal recessive limb-girdle muscular dystrophy type 2J. Last evaluated: 2021-07-29. Review status: criteria provided, single submitter. Criteria: Invitae Variant Classification Sherloc (09022015). Collection method: clinical testing. Allele origin: germline.
Comment: In summary, the available evidence is currently insufficient to determine the role of this variant in disease. Therefore, it has been classified as a Variant of Uncertain Significance. Nucleotide substitutions within the consensus splice site are a relatively common cause of aberrant splicing (PMID: 17576681, 9536098). Algorithms developed to predict the effect of sequence changes on RNA splicing suggest that this variant may disrupt the consensus splice site, but this prediction has not been confirmed by published transcriptional studies. This variant is located in the I band of TTN (PMID: 25589632). Variants in this region may be clinically relevant, but have not been definitively shown to cause cardiomyopathy or neuromuscular disease (PMID: 27493940, 32778822). This variant has not been reported in the literature in individuals with TTN-related conditions. This variant is not present in population databases (ExAC no frequency). This sequence change falls in intron 79 of the TTN gene. It does not directly change the encoded amino acid sequence of the TTN protein. It affects a nucleotide within the consensus splice site of the intron.

Literature cited by the submitters: PubMed 17576681; PubMed 9536098; PubMed 25589632; PubMed 27493940; PubMed 32778822.

NM_001267550.2(TTN):c.23098+3del

Gene: TTN (titin; minus strand). Cytogenetic location: 2q31.2.
Variant type: Deletion.
Coding change: c.23098+3del on transcript NM_001267550.2 (MANE Select); 3 bases into the intron after coding-DNA position 23098, one base deleted (T; older notation c.23098+3delT).
Molecular consequence: splice donor variant. On other transcripts: intron variant (3).
Genome position (GRCh38, 1-based): chr2:178,720,918, A deleted on the plus strand (T on the coding strand, the reverse complement: TTN is on the minus strand); the first of 2 consecutive A bases (chr2:178,720,918-178,720,919); deleting either gives the same sequence. VCF-style (leftmost placement, unchanged base first): chr2-178720917-TA-T. GRCh37 (hg19) VCF-style: chr2-179585644-TA-T.
Other names: c.13282+17164del (NM_003319.4); c.13858+17164del (NM_133437.4); c.13657+17164del (NM_133432.3); c.19366+3del (NM_133378.4); c.22147+3del (NM_001256850.1).
Identifiers: ClinVar variation 1514170 (VCV001514170.6), dbSNP rs2154300948, ClinGen allele CA2549460390.